The following is an entry in ClinVar:

NM_003482.4(KMT2D):c.6135C>G (p.Ile2045Met)

Gene: KMT2D (lysine methyltransferase 2D; minus strand). Cytogenetic location: 12q13.12.
Variant type: single nucleotide variant.
Coding change: c.6135C>G on transcript NM_003482.4 (MANE Select); coding-DNA position 6135, C replaced by G.
Protein change: p.Ile2045Met; replaces isoleucine 2045 with methionine.
Molecular consequence: missense variant.
Genome position (GRCh38, 1-based): chr12:49,041,965, G>C on the plus strand (C>G on the coding strand, the complement: KMT2D is on the minus strand). VCF-style: chr12-49041965-G-C. GRCh37 (hg19) VCF-style: chr12-49435748-G-C.
Other names: short protein forms I2045M.
Identifiers: ClinVar variation 2789433 (VCV002789433.3), dbSNP rs2498406082, ClinGen allele CA384626314.
Genomic context (GRCh38, chr12:49,041,965, plus strand): 5'-TTTCTGCCTCACCAGGTAGGGGGCTTTGTCAGCTGCTGGAACCTTTCTCCAGAGCTTCAT[G>C]ATTTGTTTGCAACGGCTTGACCAGTCTGGAGGGCAGAGAGAGTGAGTCAGAGAAGACTTG-3'
Protein context (NP_003473.3, residues 2035-2055): YPDWSSRCKQ[Ile2045Met]MKLWRKVPAA

ClinVar aggregate classification (germline): Uncertain significance (1 of 4 stars; one submission).

Conditions:
Kabuki syndrome. Also called: NIIKAWA-KUROKI SYNDROME; Kabuki make-up syndrome. Identifiers: Orphanet 2322, MedGen C0796004, MONDO:0016512.

Submission:

Labcorp Genetics (formerly Invitae), Labcorp
Classification: Uncertain significance for Kabuki syndrome. Last evaluated: 2025-12-28. Review status: criteria provided, single submitter. Criteria: Invitae Variant Classification Sherloc (09022015). Collection method: clinical testing. Allele origin: germline.
Comment: This sequence change replaces isoleucine, which is neutral and non-polar, with methionine, which is neutral and non-polar, at codon 2045 of the KMT2D protein (p.Ile2045Met). This variant is not present in population databases (gnomAD no frequency). This variant has not been reported in the literature in individuals affected with KMT2D-related conditions. ClinVar contains an entry for this variant (Variation ID: 2789433). Invitae Evidence Modeling of protein sequence and biophysical properties (such as structural, functional, and spatial information, amino acid conservation, physicochemical variation, residue mobility, and thermodynamic stability) indicates that this missense variant is not expected to disrupt KMT2D protein function with a negative predictive value of 95%. In summary, the available evidence is currently insufficient to determine the role of this variant in disease. Therefore, it has been classified as a Variant of Uncertain Significance.